The following is an entry in ClinVar:

NM_000393.5(COL5A2):c.4389A>G (p.Glu1463=)

Gene: COL5A2 (collagen type V alpha 2 chain; minus strand). Cytogenetic location: 2q32.2.
Variant type: single nucleotide variant.
Coding change: c.4389A>G on transcript NM_000393.5 (MANE Select); coding-DNA position 4389, A replaced by G.
Protein change: p.Glu1463=; no amino-acid change (glutamic acid 1463 retained).
Molecular consequence: synonymous variant.
Genome position (GRCh38, 1-based): chr2:189,034,181, T>C on the plus strand (A>G on the coding strand, the complement: COL5A2 is on the minus strand). VCF-style: chr2-189034181-T-C. GRCh37 (hg19) VCF-style: chr2-189898907-T-C.
Other names: p.E1463E:GAA>GAG; p.Glu1463=; c.4389A>G (NM_000393.4).
Identifiers: ClinVar variation 136957 (VCV000136957.60), dbSNP rs146100075, ClinGen allele CA290400.

ClinVar aggregate classification (germline): Benign/Likely benign. Review status: criteria provided, multiple submitters, no conflicts (2 of 4 stars). 14 submissions from 14 submitters: Benign (8); Likely benign (6). Last evaluated 2026-04-01.

Conditions:
Ehlers-Danlos syndrome, classic type, 1 (EDSCL1). Also called: Ehlers-Danlos syndrome, type 1; Ehlers-Danlos Syndrome, Classic Type, COL5A1-Related; EDS I; EHLERS-DANLOS SYNDROME, GRAVIS TYPE; EHLERS-DANLOS SYNDROME, SEVERE CLASSIC TYPE. Identifiers: MedGen C0268335, MONDO:0019567, OMIM 130000.
Connective tissue disorder. Also called: Connective tissue disease. Identifiers: MedGen C0009782, MONDO:0003900.
Ehlers-Danlos syndrome, classic type, 2 (EDSCL2). Also called: Ehlers-Danlos syndrome, type 2; Ehlers-Danlos syndrome type 2 (formerly); Ehlers-Danlos Syndrome, Classic Type, COL5A2-Related. Identifiers: Orphanet 287, Orphanet 90318, MedGen C0268336, MONDO:0019568, OMIM 130010.
Ehlers-Danlos syndrome (EDS). Identifiers: Orphanet 98249, MedGen C0013720, MONDO:0020066.
Familial thoracic aortic aneurysm and aortic dissection (TAAD). Also called: Thoracic aortic aneurysms and dissections. Identifiers: Orphanet 91387, MedGen C4707243, MONDO:0019625.

Allele frequency attached by ClinVar (database versions not stated): 1000 Genomes Project 30x 0.00078; 1000 Genomes Project 0.00080; gnomAD exomes 0.00198; ExAC 0.00203; gnomAD 0.00212 and 0.00235; TOPMed 0.00214; ESP Exome Variant Server 0.00338.
gnomAD v4.1: 6,041 of 1,614,014 alleles (0.37%); highest among the groups gnomAD compares: Non-Finnish European, 0.49%; 28 homozygotes.

Submissions (14):

CeGaT Center for Human Genetics Tuebingen
Classification: Benign. Last evaluated: 2026-04-01. Review status: criteria provided, single submitter. Criteria: CeGaT Center For Human Genetics Tuebingen Variant Classification Criteria Version 2. Collection method: clinical testing. Allele origin: germline. Affected: yes. Observed: 11 variant alleles.
Comment: COL5A2: BP4, BP7, BS1, BS2

Molecular Diagnostic Laboratory for Inherited Cardiovascular Disease, Montreal Heart Institute
Classification: Likely benign. Last evaluated: 2026-03-27. Review status: criteria provided, single submitter. Criteria: ACMG Guidelines, 2015. Collection method: clinical testing. Allele origin: germline. Affected: no.
Comment: BS1;BP7

Labcorp Genetics (formerly Invitae), Labcorp
Classification: Benign for Ehlers-Danlos syndrome, classic type, 1. Last evaluated: 2026-02-04. Review status: criteria provided, single submitter. Criteria: Invitae Variant Classification Sherloc (09022015). Collection method: clinical testing. Allele origin: germline.

ARUP Laboratories, Molecular Genetics and Genomics, ARUP Laboratories
Classification: Benign for Ehlers-Danlos syndrome, classic type, 2. Last evaluated: 2025-04-02. Review status: criteria provided, single submitter. Criteria: ARUP Molecular Germline Variant Investigation Process 2024. Collection method: clinical testing. Allele origin: germline.

Mayo Clinic Laboratories, Mayo Clinic
Classification: Benign. Last evaluated: 2025-03-04. Review status: criteria provided, single submitter. Criteria: ACMG Guidelines, 2015. Collection method: clinical testing. Allele origin: germline. Observed: 39 variant alleles.
Comment: BS1, BS2, BP4, BP7

Blueprint Genetics
Classification: Likely benign. Last evaluated: 2024-11-20. Review status: criteria provided, single submitter. Criteria: ACMG Guidelines, 2015. Collection method: clinical testing. Allele origin: germline.

Women's Health and Genetics/Laboratory Corporation of America, LabCorp
Classification: Benign. Last evaluated: 2023-07-21. Review status: criteria provided, single submitter. Criteria: LabCorp Variant Classification Summary - May 2015. Collection method: clinical testing. Allele origin: germline.

Genome Diagnostics Laboratory, The Hospital for Sick Children
Classification: Benign for Ehlers-Danlos syndrome. Last evaluated: 2021-04-07. Review status: criteria provided, single submitter. Criteria: ACMG Guidelines, 2015. Collection method: clinical testing. Allele origin: germline.

Illumina Laboratory Services, Illumina
Classification: Benign for Ehlers-Danlos syndrome, classic type, 2. Last evaluated: 2018-01-12. Review status: criteria provided, single submitter. Criteria: ICSL Variant Classification Criteria 13 December 2019. Collection method: clinical testing. Allele origin: germline.
Comment: This variant was observed in the ICSL laboratory as part of a predisposition screen in an ostensibly healthy population. It had not been previously curated by ICSL or reported in the Human Gene Mutation Database (HGMD: prior to June 1st, 2018), and was therefore a candidate for classification through an automated scoring system. Utilizing variant allele frequency, disease prevalence and penetrance estimates, and inheritance mode, an automated score was calculated to assess if this variant is too frequent to cause the disease. Based on the score and internal cut-off values, a variant classified as benign is not then subjected to further curation. The score for this variant resulted in a classification of benign for this disease.

Center for Human Genetics, Inc
Classification: Likely benign for Connective tissue disorder. Last evaluated: 2016-11-01. Review status: criteria provided, single submitter. Criteria: ACMG Guidelines, 2015. Collection method: clinical testing. Allele origin: germline. Affected: yes.

Ambry Genetics
Classification: Likely benign for Familial thoracic aortic aneurysm and aortic dissection. Last evaluated: 2015-04-21. Review status: criteria provided, single submitter. Criteria: Ambry Variant Classification Scheme 2023. Collection method: clinical testing. Allele origin: germline.

GeneDx
Classification: Benign. Last evaluated: 2013-07-12. Review status: criteria provided, single submitter. Criteria: GeneDx Variant Classification (06012015). Collection method: clinical testing. Allele origin: germline. Affected: yes.
Comment: This variant is considered likely benign or benign based on one or more of the following criteria: it is a conservative change, it occurs at a poorly conserved position in the protein, it is predicted to be benign by multiple in silico algorithms, and/or has population frequency not consistent with disease.

Breakthrough Genomics
Classification: Likely benign. Review status: criteria provided, single submitter. Criteria: ACMG Guidelines, 2015. Collection method: not provided. Allele origin: germline. Inheritance: Autosomal dominant inheritance. Affected: yes.

PreventionGenetics, part of Exact Sciences
Classification: Likely benign. Review status: criteria provided, single submitter. Criteria: ACMG Guidelines, 2015. Collection method: clinical testing. Allele origin: germline.